The following is an entry in ClinVar:

NM_006017.3(PROM1):c.1415G>A (p.Arg472Gln)

Gene: PROM1 (prominin 1; minus strand). Cytogenetic location: 4p15.32.
Variant type: single nucleotide variant.
Coding change: c.1415G>A on transcript NM_006017.3 (MANE Select); coding-DNA position 1415, G replaced by A.
Protein change: p.Arg472Gln; replaces arginine 472 with glutamine.
Molecular consequence: missense variant.
Genome position (GRCh38, 1-based): chr4:16,006,577, C>T on the plus strand (G>A on the coding strand, the complement: PROM1 is on the minus strand). VCF-style: chr4-16006577-C-T. GRCh37 (hg19) VCF-style: chr4-16008200-C-T.
Other names: c.1388G>A, p.Arg463Gln (NM_001145847.2, NM_001145848.2, NM_001145851.2 and 4 more transcripts); c.1415G>A, p.Arg472Gln (NM_001145849.2, NM_001145850.2); short protein forms R463Q, R472Q.
Identifiers: ClinVar variation 2982240 (VCV002982240.4), dbSNP rs554529975, ClinGen allele CA2866775.
Genomic context (GRCh38, chr4:16,006,577, plus strand): 5'-CAGAGAGGAGCAGACACTCACACCATGAGGAAGACGCCTCCGGTGTTGGAGACACAGCCT[C>T]GGGTGGTCGGGGTGGCATGCCTGTCATAGCCGCACACGCCACACAGTAAGCCCAGGTAGT-3'
Protein context (NP_006008.1, residues 462-482): GYDRHATPTT[Arg472Gln]GCVSNTGGVF

ClinVar aggregate classification (germline): Uncertain significance. Review status: criteria provided, multiple submitters, no conflicts (2 of 4 stars). 2 submissions from 2 submitters: Uncertain significance (2). Last evaluated 2022-11-28.

Allele frequency attached by ClinVar (database versions not stated): gnomAD exomes 0.00001; TOPMed 0.00001; ExAC 0.00002; gnomAD 0.00002; 1000 Genomes Project 30x 0.00016; 1000 Genomes Project 0.00020.
gnomAD v4.1: 16 of 1,602,480 alleles (0.001%); highest among the groups gnomAD compares: Admixed American, 0.0017%; no homozygotes.

Submissions (2):

Labcorp Genetics (formerly Invitae), Labcorp
Classification: Uncertain significance. Last evaluated: 2022-11-28. Review status: criteria provided, single submitter. Criteria: Invitae Variant Classification Sherloc (09022015). Collection method: clinical testing. Allele origin: germline.
Comment: This missense change has been observed in individual(s) with clinical features of PROM1-related conditions (PMID: 31054281, 34008001). This variant is present in population databases (rs554529975, gnomAD 0.008%). This sequence change replaces arginine, which is basic and polar, with glutamine, which is neutral and polar, at codon 472 of the PROM1 protein (p.Arg472Gln). This variant is also known as p.Arg463Gln. In summary, the available evidence is currently insufficient to determine the role of this variant in disease. Therefore, it has been classified as a Variant of Uncertain Significance. Advanced modeling of protein sequence and biophysical properties (such as structural, functional, and spatial information, amino acid conservation, physicochemical variation, residue mobility, and thermodynamic stability) performed at Invitae indicates that this missense variant is expected to disrupt PROM1 protein function.

Blueprint Genetics
Classification: Uncertain significance. Last evaluated: 2021-03-12. Review status: criteria provided, single submitter. Criteria: ACMG Guidelines, 2015. Collection method: clinical testing. Allele origin: germline.

Literature cited by the submitters: PubMed 31054281 (cited by Labcorp Genetics (formerly Invitae), Labcorp); PubMed 34008001 (cited by Labcorp Genetics (formerly Invitae), Labcorp).